The following is an entry in ClinVar:

ClinVar aggregate classification (germline): Uncertain significance (1 of 4 stars; one submission).

Conditions:
PKD1-related disorder. Also called: PKD1-related condition.

gnomAD v4.1: 140 of 1,599,654 alleles (0.0088%); highest among the groups gnomAD compares: East Asian, 0.027%; no homozygotes.

Submission:

PreventionGenetics, part of Exact Sciences
Classification: Uncertain significance for PKD1-related condition. Last evaluated: 2026-02-24. Review status: criteria provided, single submitter. Criteria: ACMG Guidelines, 2015. Collection method: clinical testing. Allele origin: germline.
Comment: The PKD1 c.8654G>A variant is predicted to result in the amino acid substitution p.Arg2885Gln. To our knowledge, this variant has not been reported in the literature in individuals with polycystic kidney disease. This variant is reported in 0.026% of alleles in individuals of Latino descent in gnomAD, which may be too common to be an undocumented cause of disease. Although we suspect that this variant may be benign, at this time, the clinical significance of this variant is uncertain due to the absence of conclusive functional and genetic evidence.

NM_001009944.3(PKD1):c.8654G>A (p.Arg2885Gln)

Gene: PKD1 (polycystin 1, transient receptor potential channel interacting; minus strand). Cytogenetic location: 16p13.3.
Variant type: single nucleotide variant.
Coding change: c.8654G>A on transcript NM_001009944.3 (MANE Select); coding-DNA position 8654, G replaced by A.
Protein change: p.Arg2885Gln; replaces arginine 2885 with glutamine.
Molecular consequence: missense variant.
Genome position (GRCh38, 1-based): chr16:2,103,403, C>T on the plus strand (G>A on the coding strand, the complement: PKD1 is on the minus strand). VCF-style: chr16-2103403-C-T. GRCh37 (hg19) VCF-style: chr16-2153404-C-T.
Other names: c.8654G>A, p.Arg2885Gln (NM_000296.4); short protein forms R2885Q.
Identifiers: ClinVar variation 4979417 (VCV004979417.1).